The following is an entry in ClinVar:

NM_000787.4(DBH):c.1453G>A (p.Glu485Lys)

Genes: DBH (dopamine beta-hydroxylase; plus strand), DBH-AS1 (DBH antisense RNA 1; minus strand). Cytogenetic location: 9q34.2.
Variant type: single nucleotide variant.
Coding change: c.1453G>A on transcript NM_000787.4 (MANE Select); coding-DNA position 1453, G replaced by A.
Protein change: p.Glu485Lys; replaces glutamic acid 485 with lysine.
Molecular consequence: missense variant.
Genome position (GRCh38, 1-based): chr9:133,656,541, G>A. VCF-style: chr9-133656541-G-A. GRCh37 (hg19) VCF-style: chr9-136521663-G-A.
Other names: short protein forms E485K.
Identifiers: ClinVar variation 2058598 (VCV002058598.4), dbSNP rs2538359102, ClinGen allele CA375420795.

ClinVar aggregate classification (germline): Uncertain significance (1 of 4 stars; one submission).

Conditions:
Orthostatic hypotension 1 (ORTHYP1). Also called: Dopamine beta-hydroxylase deficiency; Orthostatic hypotension 1, due to DBH deficiency; NORADRENALINE DEFICIENCY; NOREPINEPHRINE DEFICIENCY. Identifiers: Orphanet 230, MedGen C4746777, MONDO:0009123, OMIM 223360.

Submission:

Labcorp Genetics (formerly Invitae), Labcorp
Classification: Uncertain significance for Orthostatic hypotension 1. Last evaluated: 2024-11-11. Review status: criteria provided, single submitter. Criteria: Invitae Variant Classification Sherloc (09022015). Collection method: clinical testing. Allele origin: germline.
Comment: This sequence change replaces glutamic acid, which is acidic and polar, with lysine, which is basic and polar, at codon 485 of the DBH protein (p.Glu485Lys). This variant is not present in population databases (gnomAD no frequency). This variant has not been reported in the literature in individuals affected with DBH-related conditions. ClinVar contains an entry for this variant (Variation ID: 2058598). Invitae Evidence Modeling of protein sequence and biophysical properties (such as structural, functional, and spatial information, amino acid conservation, physicochemical variation, residue mobility, and thermodynamic stability) indicates that this missense variant is not expected to disrupt DBH protein function with a negative predictive value of 80%. In summary, the available evidence is currently insufficient to determine the role of this variant in disease. Therefore, it has been classified as a Variant of Uncertain Significance.